The following is an entry in ClinVar:

ClinVar aggregate classification (germline): Pathogenic (1 of 4 stars; one submission).

Submission:

Labcorp Genetics (formerly Invitae), Labcorp
Classification: Pathogenic. Last evaluated: 2024-09-23. Review status: criteria provided, single submitter. Criteria: Invitae Variant Classification Sherloc (09022015). Collection method: clinical testing. Allele origin: germline.
Comment: This sequence change creates a premature translational stop signal (p.Asn1477Leufs*46) in the ZNF292 gene. While this is not anticipated to result in nonsense mediated decay, it is expected to disrupt the last 1247 amino acid(s) of the ZNF292 protein. This variant is present in population databases (no rsID available, gnomAD 0.0009%). This variant has not been reported in the literature in individuals affected with ZNF292-related conditions. This variant disrupts a region of the ZNF292 protein in which other variant(s) (p.Glu2054Lysfs*14) have been determined to be pathogenic (PMID: 31723249). This suggests that this is a clinically significant region of the protein, and that variants that disrupt it are likely to be disease-causing. For these reasons, this variant has been classified as Pathogenic.

Literature cited by the submitters: PubMed 31723249.

NM_015021.3(ZNF292):c.4429_4432del (p.Asn1477fs)

Gene: ZNF292 (zinc finger protein 292; plus strand). Cytogenetic location: 6q14.3.
Variant type: Deletion.
Coding change: c.4429_4432del on transcript NM_015021.3 (MANE Select); coding-DNA positions 4429 to 4432, 4 bases deleted (AACT; older notation c.4429_4432delAACT).
Protein change: p.Asn1477fs; shifts the reading frame from asparagine 1477.
Molecular consequence: frameshift variant.
Genome position (GRCh38, 1-based): chr6:87,258,058-87,258,061, AACT deleted; deleting any 4 consecutive bases within chr6:87,258,055-87,258,061 gives the same sequence; the c. name uses the placement nearest the transcript's 3' end. VCF-style (leftmost placement, unchanged base first): chr6-87258054-GACTA-G. GRCh37 (hg19) VCF-style: chr6-87967772-GACTA-G.
Other names: c.4009_4012del, p.Asn1337fs (NM_001351444.2); short protein forms N1337fs, N1477fs.
Identifiers: ClinVar variation 3660909 (VCV003660909.2).
Genomic context (GRCh38, chr6:87,258,054, plus strand): 5'-GCTTCTTGCTGAAAATCGCTCGCCAGCATTTTTACCAAATACATTTCCTCGATCTGGTGT[GACTA>G]ACTTTAATACCAGTGTCAGTCAAGAAGGTAGTGAAATTATTAAACAGGCTTTGGAAACTG-3'